The following is an entry in ClinVar:

ClinVar aggregate classification (germline): Pathogenic. Review status: criteria provided, multiple submitters, no conflicts (2 of 4 stars). 3 submissions from 3 submitters: Pathogenic (2). 1 of the submissions does not count toward it. Last evaluated 2024-06-07.

Conditions:
Mucopolysaccharidosis, MPS-II (MPS2). Also called: Attenuated MPS (subtype; formerly known as mild MPS II); Severe MPS II; I2S deficiency; MPS 2; Hunter Syndrome; IDURONATE 2-SULFATASE DEFICIENCY. Identifiers: Orphanet 580, Orphanet 79388, MedGen C0026705, MONDO:0010674, OMIM 309900.

Submissions (3):

Laboratory of Diagnosis and Therapy of Lysosomal Disorders, University of Padova
Classification: Pathogenic for Mucopolysaccharidosis, MPS-II. Last evaluated: 2024-06-07. Review status: criteria provided, single submitter. Criteria: ACMG Guidelines, 2015. Collection method: literature only. Allele origin: germline. Affected: yes. Observed: 1 variant allele.
Comment: Null variant (PVS1_VeryStrong), Absent from controls (or at low frequency) in gnomAD database (PM2_Moderate), Patient’s phenotype or family history highly specific for the disease (PP4_Strong)

Classification method: ACMG Guidelines [PMID:25741868] with modifications

Dasa
Classification: Pathogenic for Mucopolysaccharidosis, MPS-II. Last evaluated: 2022-02-14. Review status: criteria provided, single submitter. Criteria: ACMG Guidelines, 2015. Collection method: clinical testing. Allele origin: germline. Affected: yes. Observed: 1 variant allele.
Comment: The c.814C>T;p.(Gln272*) variant creates a premature translational stop signal in the IDS gene. It is expected to result in an absent or disrupted protein product - PVS1. This sequence change has been observed in affected individual(s) and ClinVar contains an entry for this variant (ClinVar ID: 988685) - PS4. This variant is not present in population databases (gnomAD; ABraOM no frequency) - PM2. In summary, the currently available evidence indicates that the variant is pathogenic.

Laboratory of Inherited Metabolic Diseases, Research centre for medical genetics
Classification: Pathogenic for Mucopolysaccharidosis, type II; MPS2. Review status: no assertion criteria provided. Collection method: research. Allele origin: germline. Affected: yes. Not counted in ClinVar's aggregate classification.

Literature cited by the submitters: PubMed 33676511 (cited by Laboratory of Diagnosis and Therapy of Lysosomal Disorders, University of Padova).

NM_000202.8(IDS):c.814C>T (p.Gln272Ter)

Genes: IDS (iduronate 2-sulfatase; minus strand), LOC106050102 (IDS recombination region; plus strand). Cytogenetic location: Xq28.
Variant type: single nucleotide variant.
Coding change: c.814C>T on transcript NM_000202.8 (MANE Select); coding-DNA position 814, C replaced by T.
Protein change: p.Gln272Ter; replaces glutamine 272 with a stop codon.
Molecular consequence: nonsense. On other transcripts: non-coding transcript variant (1).
Genome position (GRCh38, 1-based): chrX:149,496,411, G>A on the plus strand (C>T on the coding strand, the complement: IDS is on the minus strand). VCF-style: chrX-149496411-G-A. GRCh37 (hg19) VCF-style: chrX-148577942-G-A.
Other names: c.544C>T, p.Gln182Ter (NM_001166550.4); c.814C>T, p.Gln272Ter (NM_006123.5); short protein forms Q182*, Q272*.
Identifiers: ClinVar variation 988685 (VCV000988685.5), dbSNP rs2089436689, ClinGen allele CA414521878.